The following is an entry in ClinVar:

ClinVar aggregate classification (germline): Uncertain significance (1 of 4 stars; one submission).

Conditions:
Mendelian susceptibility to mycobacterial diseases due to partial STAT1 deficiency. Also called: IMMUNODEFICIENCY 31A, MYCOBACTERIOSIS, AUTOSOMAL DOMINANT; STAT1 DEFICIENCY, AUTOSOMAL DOMINANT; Immunodeficiency 31a. Identifiers: Orphanet 319595, MedGen C4013950, MONDO:0013956, OMIM 614892.
Immunodeficiency 31B. Also called: STAT1 DEFICIENCY, AUTOSOMAL RECESSIVE; IMMUNODEFICIENCY 31B, MYCOBACTERIAL AND VIRAL INFECTIONS, AUTOSOMAL RECESSIVE. Identifiers: Orphanet 391311, MedGen C3151088, MONDO:0013427, OMIM 613796.
Autoimmune enteropathy and endocrinopathy - susceptibility to chronic infections syndrome. Also called: Immunodeficiency 31C, autosomal dominant; Immunodeficiency 31C. Identifiers: Orphanet 391487, MedGen C3279990, MONDO:0013599, OMIM 614162.

Allele frequency attached by ClinVar (database versions not stated): gnomAD exomes below 0.00001; ExAC 0.00001; gnomAD 0.00001.
gnomAD v4.1: 7 of 1,613,784 alleles (0.00043%); highest among the groups gnomAD compares: Non-Finnish European, 0.00059%; no homozygotes.

Submission:

Labcorp Genetics (formerly Invitae), Labcorp
Classification: Uncertain significance for Mendelian susceptibility to mycobacterial diseases due to partial STAT1 deficiency; Immunodeficiency 31B; Autoimmune enteropathy and endocrinopathy - susceptibility to chronic infections syndrome. Last evaluated: 2023-11-08. Review status: criteria provided, single submitter. Criteria: Invitae Variant Classification Sherloc (09022015). Collection method: clinical testing. Allele origin: germline.
Comment: This sequence change replaces glutamic acid, which is acidic and polar, with lysine, which is basic and polar, at codon 6 of the STAT1 protein (p.Glu6Lys). This variant is present in population databases (rs761876441, gnomAD 0.002%). This variant has not been reported in the literature in individuals affected with STAT1-related conditions. An algorithm developed to predict the effect of missense changes on protein structure and function (PolyPhen-2) suggests that this variant is likely to be tolerated. In summary, the available evidence is currently insufficient to determine the role of this variant in disease. Therefore, it has been classified as a Variant of Uncertain Significance.

NM_007315.4(STAT1):c.16G>A (p.Glu6Lys)

Gene: STAT1 (signal transducer and activator of transcription 1; minus strand). Cytogenetic location: 2q32.2.
Variant type: single nucleotide variant.
Coding change: c.16G>A on transcript NM_007315.4 (MANE Select); coding-DNA position 16, G replaced by A.
Protein change: p.Glu6Lys; replaces glutamic acid 6 with lysine.
Molecular consequence: missense variant.
Genome position (GRCh38, 1-based): chr2:191,009,988, C>T on the plus strand (G>A on the coding strand, the complement: STAT1 is on the minus strand). VCF-style: chr2-191009988-C-T. GRCh37 (hg19) VCF-style: chr2-191874714-C-T.
Other names: c.16G>A, p.Glu6Lys (NM_001384880.1, NM_001384882.1, NM_001384883.1 and 8 more transcripts); c.22G>A, p.Glu8Lys (NM_001384881.1, NM_001384884.1); short protein forms E8K, E6K.
Identifiers: ClinVar variation 2939743 (VCV002939743.3), dbSNP rs761876441, ClinGen allele CA2030331.